The following is an entry in ClinVar:

NM_173598.6(KSR2):c.2100C>T (p.Asn700=)

Gene: KSR2 (kinase suppressor of ras 2; minus strand). Cytogenetic location: 12q24.22.
Variant type: single nucleotide variant.
Coding change: c.2100C>T on transcript NM_173598.6 (MANE Select); coding-DNA position 2100, C replaced by T.
Protein change: p.Asn700=; no amino-acid change (asparagine 700 retained).
Molecular consequence: synonymous variant.
Genome position (GRCh38, 1-based): chr12:117,524,971, G>A on the plus strand (C>T on the coding strand, the complement: KSR2 is on the minus strand). VCF-style: chr12-117524971-G-A. GRCh37 (hg19) VCF-style: chr12-117962776-G-A.
Identifiers: ClinVar variation 3352204 (VCV003352204.1).

ClinVar aggregate classification (germline): Likely benign (0 of 4 stars; one submission).

Conditions:
KSR2-related disorder. Also called: KSR2-related condition.

gnomAD v4.1: 50 of 1,613,726 alleles (0.0031%); highest among the groups gnomAD compares: South Asian, 0.016%; no homozygotes.

Submission:

PreventionGenetics, part of Exact Sciences
Classification: Likely benign for KSR2-related condition. Last evaluated: 2020-09-14. Review status: no assertion criteria provided. Collection method: clinical testing. Allele origin: germline.
Comment: This variant is classified as likely benign based on ACMG/AMP sequence variant interpretation guidelines (Richards et al. 2015 PMID: 25741868, with internal and published modifications).